The following is an entry in ClinVar:

NM_007294.4(BRCA1):c.2227A>T (p.Asn743Tyr)

Gene: BRCA1 (BRCA1 DNA repair associated; minus strand). Cytogenetic location: 17q21.31.
Variant type: single nucleotide variant.
Coding change: c.2227A>T on transcript NM_007294.4 (MANE Select); coding-DNA position 2227, A replaced by T.
Protein change: p.Asn743Tyr; replaces asparagine 743 with tyrosine.
Molecular consequence: missense variant. On other transcripts: intron variant (137).
Genome position (GRCh38, 1-based): chr17:43,093,304, T>A on the plus strand (A>T on the coding strand, the complement: BRCA1 is on the minus strand). VCF-style: chr17-43093304-T-A. GRCh37 (hg19) VCF-style: chr17-41245321-T-A.
Other names: c.2014A>T, p.Asn672Tyr (NM_001407916.1, NM_001407917.1, NM_001407918.1 and 9 more transcripts); c.2104A>T, p.Asn702Tyr (NM_001407919.1, NM_001407937.1, NM_001407938.1 and 19 more transcripts); c.1963A>T, p.Asn655Tyr (NM_001407920.1, NM_001407921.1, NM_001407922.1 and 9 more transcripts); c.1960A>T, p.Asn654Tyr (NM_001407936.1, NM_001407930.1, NM_001407931.1 and 2 more transcripts); c.2101A>T, p.Asn701Tyr (NM_001407940.1, NM_001407941.1, NM_001407685.1 and 11 more transcripts); c.2086A>T, p.Asn696Tyr (NM_001407942.1, NM_007297.4, NM_001407724.1 and 29 more transcripts); c.2083A>T, p.Asn695Tyr (NM_001407943.1, NM_001407964.1, NM_001407743.1 and 20 more transcripts); c.1891A>T, p.Asn631Tyr (NM_001407954.1, NM_001407955.1, NM_001407956.1 and 1 more transcripts); and 41 more; short protein forms N447Y, N575Y, N615Y, N616Y, N631Y, N632Y, N654Y, N655Y.
Identifiers: ClinVar variation 3069232 (VCV003069232.1), dbSNP rs1212635015, ClinGen allele CA10597545.

ClinVar aggregate classification (germline): Uncertain significance (1 of 4 stars; one submission).

Conditions:
Breast-ovarian cancer, familial, susceptibility to, 1 (BROVCA1). Also called: BRCA1 Hereditary Breast and Ovarian Cancer; OVARIAN CANCER, SUSCEPTIBILITY TO. Identifiers: Orphanet 145, MedGen C2676676, MONDO:0011450, OMIM 604370. Disease mechanism: loss of function.

Submission:

All of Us Research Program, National Institutes of Health
Classification: Uncertain significance for Breast-ovarian cancer, familial, susceptibility to, 1. Last evaluated: 2023-05-04. Review status: criteria provided, single submitter. Criteria: ACMG Guidelines, 2015. Collection method: clinical testing. Allele origin: germline. Inheritance: Autosomal dominant inheritance. Observed: 1 variant allele, 1 heterozygote.
Comment: This missense variant replaces asparagine with tyrosine at codon 743 of the BRCA1 protein. Computational prediction suggests that this variant may not impact protein structure and function (internally defined REVEL score threshold <= 0.5, PMID: 27666373). To our knowledge, functional studies have not been reported for this variant. This variant has not been identified in the general population by the Genome Aggregation Database (gnomAD). The available evidence is insufficient to determine the role of this variant in disease conclusively. Therefore, this variant is classified as a Variant of Uncertain Significance.

This study involves interpretation of variants in research participants for the purpose of population health screening. Participant phenotype was not available at the time of variant classification. Additional details can be found in publication PMID: 35346344, PMCID: PMC8962531